The following is an entry in ClinVar:

ClinVar aggregate classification (germline): Benign. Review status: criteria provided, multiple submitters, no conflicts (2 of 4 stars). 3 submissions from 3 submitters: Benign (2). 1 of the submissions does not count toward it. Last evaluated 2019-12-31.

Conditions:
HIRA-related disorder.

Allele frequency attached by ClinVar (database versions not stated): gnomAD exomes 0.00134 and 0.00319; ExAC 0.00344; 1000 Genomes Project 0.00699; gnomAD 0.00786 and 0.00836; 1000 Genomes Project 30x 0.00796; TOPMed 0.00898; ESP Exome Variant Server 0.01015.
gnomAD v4.1: 3,262 of 1,613,102 alleles (0.2%); highest among the groups gnomAD compares: African/African-American, 2.5%; 34 homozygotes.

Submissions (3):

Labcorp Genetics (formerly Invitae), Labcorp
Classification: Benign. Last evaluated: 2019-12-31. Review status: criteria provided, single submitter. Criteria: Invitae Variant Classification Sherloc (09022015). Collection method: clinical testing. Allele origin: germline.

Breakthrough Genomics
Classification: Benign. Review status: criteria provided, single submitter. Criteria: ACMG Guidelines, 2015. Collection method: not provided. Allele origin: germline. Inheritance: Unknown mechanism. Affected: yes.

PreventionGenetics, part of Exact Sciences
Classification: Benign for HIRA-related condition. Last evaluated: 2019-03-26. Review status: no assertion criteria provided. Collection method: clinical testing. Allele origin: germline. Not counted in ClinVar's aggregate classification.
Comment: This variant is classified as benign based on ACMG/AMP sequence variant interpretation guidelines (Richards et al. 2015 PMID: 25741868, with internal and published modifications).

NM_003325.4(HIRA):c.2799C>T (p.His933=)

Gene: HIRA (histone cell cycle regulator; minus strand). Cytogenetic location: 22q11.21.
Variant type: single nucleotide variant.
Coding change: c.2799C>T on transcript NM_003325.4 (MANE Select); coding-DNA position 2799, C replaced by T.
Protein change: p.His933=; no amino-acid change (histidine 933 retained).
Molecular consequence: synonymous variant.
Genome position (GRCh38, 1-based): chr22:19,353,405, G>A on the plus strand (C>T on the coding strand, the complement: HIRA is on the minus strand). VCF-style: chr22-19353405-G-A. GRCh37 (hg19) VCF-style: chr22-19340928-G-A.
Identifiers: ClinVar variation 714835 (VCV000714835.7), dbSNP rs34000365, ClinGen allele CA10099270.
Genomic context (GRCh38, chr22:19,353,405, plus strand): 5'-AGGAGCCTCACCTTCGTTTACGAGGTACCGTGCGTAGACGAGGAGCCAATGGCGGTACTC[G>A]TGGCTGGACTGCAGGGTGAGTGCTGCTGCCACCTGGTTCTCTAGGTAGGCCAGGGTGGTC-3'
Protein context (NP_003316.3, residues 923-943): VAAALTLQSS[His933=]EYRHWLLVYA